The following is an entry in ClinVar:

NM_014339.7(IL17RA):c.849C>G (p.Ile283Met)

Gene: IL17RA (interleukin 17 receptor A; plus strand). Cytogenetic location: 22q11.1.
Variant type: single nucleotide variant.
Coding change: c.849C>G on transcript NM_014339.7 (MANE Select); coding-DNA position 849, C replaced by G.
Protein change: p.Ile283Met; replaces isoleucine 283 with methionine.
Molecular consequence: missense variant.
Genome position (GRCh38, 1-based): chr22:17,104,728, C>G. VCF-style: chr22-17104728-C-G. GRCh37 (hg19) VCF-style: chr22-17585618-C-G.
Other names: c.849C>G, p.Ile283Met (NM_001289905.2); short protein forms I283M.
Identifiers: ClinVar variation 1402264 (VCV001402264.6), dbSNP rs769892740, ClinGen allele CA10086515.

ClinVar aggregate classification (germline): Uncertain significance (1 of 4 stars; one submission).

Conditions:
Immunodeficiency 51 (IMD51). Also called: CANDIDIASIS, FAMILIAL, 5. Identifiers: Orphanet 1334, MedGen C4310803, MONDO:0013500, OMIM 613953.

Allele frequency attached by ClinVar (database versions not stated): gnomAD exomes below 0.00001 and 0.00001; TOPMed below 0.00001; ExAC 0.00001.
gnomAD v4.1: 3 of 1,614,016 alleles (0.00019%); highest among the groups gnomAD compares: Admixed American, 0.005%; no homozygotes.

Submission:

Labcorp Genetics (formerly Invitae), Labcorp
Classification: Uncertain significance for Immunodeficiency 51. Last evaluated: 2023-12-11. Review status: criteria provided, single submitter. Criteria: Invitae Variant Classification Sherloc (09022015). Collection method: clinical testing. Allele origin: germline.
Comment: This sequence change replaces isoleucine, which is neutral and non-polar, with methionine, which is neutral and non-polar, at codon 283 of the IL17RA protein (p.Ile283Met). This variant is present in population databases (rs769892740, gnomAD 0.009%). This variant has not been reported in the literature in individuals affected with IL17RA-related conditions. ClinVar contains an entry for this variant (Variation ID: 1402264). An algorithm developed to predict the effect of missense changes on protein structure and function (PolyPhen-2) suggests that this variant is likely to be disruptive. In summary, the available evidence is currently insufficient to determine the role of this variant in disease. Therefore, it has been classified as a Variant of Uncertain Significance.